The following is an entry in ClinVar:

ClinVar aggregate classification (germline): Benign (1 of 4 stars; one submission).

Allele frequency attached by ClinVar (database versions not stated): gnomAD 0.02877 and 0.03067; TOPMed 0.03246; 1000 Genomes Project 0.03654; 1000 Genomes Project 30x 0.03919.
gnomAD v4.1: 4,332 of 152,260 alleles (2.8%); highest among the groups gnomAD compares: African/African-American, 9.7%; 206 homozygotes.

Submission:

GeneDx
Classification: Benign. Last evaluated: 2018-06-19. Review status: criteria provided, single submitter. Criteria: GeneDx Variant Classification (06012015). Collection method: clinical testing. Allele origin: germline. Affected: yes.
Comment: This variant is considered likely benign or benign based on one or more of the following criteria: it is a conservative change, it occurs at a poorly conserved position in the protein, it is predicted to be benign by multiple in silico algorithms, and/or has population frequency not consistent with disease.

NM_001386795.1(DTNA):c.1085+250A>G

Gene: DTNA (dystrobrevin alpha; plus strand). Cytogenetic location: 18q12.1.
Variant type: single nucleotide variant.
Coding change: c.1085+250A>G on transcript NM_001386795.1 (MANE Select); 250 bases into the intron after coding-DNA position 1085, A replaced by G.
Molecular consequence: intron variant.
Genome position (GRCh38, 1-based): chr18:34,827,926, A>G. VCF-style: chr18-34827926-A-G. GRCh37 (hg19) VCF-style: chr18-32407890-A-G.
Other names: c.1094+250A>G (NM_032975.4, NM_001386761.1, NM_001386762.1 and 5 more transcripts); c.1085+250A>G (NM_001386754.1, NM_001386755.1, NM_001386760.1 and 26 more transcripts); c.603+15813A>G (NM_001198945.2); c.335+250A>G (NM_001198943.1); c.131+250A>G (NM_001198942.1, NM_001198944.1, NM_032980.4 and 1 more transcripts).
Identifiers: ClinVar variation 671849 (VCV000671849.1), dbSNP rs60191917, ClinGen allele CA297768541.